The following is an entry in ClinVar:

NM_001447.3(FAT2):c.12218G>C (p.Cys4073Ser)

Genes: FAT2 (FAT atypical cadherin 2; minus strand), SLC36A1 (solute carrier family 36 member 1; plus strand). Cytogenetic location: 5q33.1.
Variant type: single nucleotide variant.
Coding change: c.12218G>C on transcript NM_001447.3 (MANE Select); coding-DNA position 12218, G replaced by C.
Protein change: p.Cys4073Ser; replaces cysteine 4073 with serine.
Molecular consequence: missense variant.
Genome position (GRCh38, 1-based): chr5:151,507,453, C>G on the plus strand (G>C on the coding strand, the complement: FAT2 is on the minus strand). VCF-style: chr5-151507453-C-G. GRCh37 (hg19) VCF-style: chr5-150887014-C-G.
Other names: short protein forms C4073S.
Identifiers: ClinVar variation 1956189 (VCV001956189.5), dbSNP rs749389986, ClinGen allele CA3519819.

ClinVar aggregate classification (germline): Uncertain significance (1 of 4 stars; one submission).

Allele frequency attached by ClinVar (database versions not stated): ExAC 0.00001; gnomAD 0.00001.
gnomAD v4.1: 7 of 1,614,044 alleles (0.00043%); highest among the groups gnomAD compares: Non-Finnish European, 0.00059%; no homozygotes.

Submission:

Labcorp Genetics (formerly Invitae), Labcorp
Classification: Uncertain significance. Last evaluated: 2024-08-12. Review status: criteria provided, single submitter. Criteria: Invitae Variant Classification Sherloc (09022015). Collection method: clinical testing. Allele origin: germline.
Comment: This sequence change replaces cysteine, which is neutral and slightly polar, with serine, which is neutral and polar, at codon 4073 of the FAT2 protein (p.Cys4073Ser). This variant is present in population databases (rs749389986, gnomAD 0.007%). This variant has not been reported in the literature in individuals affected with FAT2-related conditions. ClinVar contains an entry for this variant (Variation ID: 1956189). An algorithm developed to predict the effect of missense changes on protein structure and function (PolyPhen-2) suggests that this variant is likely to be tolerated. In summary, the available evidence is currently insufficient to determine the role of this variant in disease. Therefore, it has been classified as a Variant of Uncertain Significance.